The following is an entry in ClinVar:

NM_001163435.3(TBCK):c.845C>T (p.Pro282Leu)

Gene: TBCK (TBC1 domain containing kinase; minus strand). Cytogenetic location: 4q24.
Variant type: single nucleotide variant.
Coding change: c.845C>T on transcript NM_001163435.3 (MANE Select); coding-DNA position 845, C replaced by T.
Protein change: p.Pro282Leu; replaces proline 282 with leucine.
Molecular consequence: missense variant.
Genome position (GRCh38, 1-based): chr4:106,247,225, G>A on the plus strand (C>T on the coding strand, the complement: TBCK is on the minus strand). VCF-style: chr4-106247225-G-A. GRCh37 (hg19) VCF-style: chr4-107168382-G-A.
Other names: c.845C>T, p.Pro282Leu (NM_001163436.4); c.728C>T, p.Pro243Leu (NM_001163437.3); c.329C>T, p.Pro110Leu (NM_001290768.2); c.656C>T, p.Pro219Leu (NM_033115.5); short protein forms P110L, P219L, P243L, P282L.
Identifiers: ClinVar variation 1900286 (VCV001900286.3), dbSNP rs778242457, ClinGen allele CA357824776.

ClinVar aggregate classification (germline): Uncertain significance (1 of 4 stars; one submission).

gnomAD v4.1: 4 of 1,613,048 alleles (0.00025%); highest among the groups gnomAD compares: Admixed American, 0.0017%; no homozygotes.

Submission:

Labcorp Genetics (formerly Invitae), Labcorp
Classification: Uncertain significance. Last evaluated: 2022-05-27. Review status: criteria provided, single submitter. Criteria: Invitae Variant Classification Sherloc (09022015). Collection method: clinical testing. Allele origin: germline.
Comment: Algorithms developed to predict the effect of missense changes on protein structure and function (SIFT, PolyPhen-2, Align-GVGD) all suggest that this variant is likely to be tolerated. In summary, the available evidence is currently insufficient to determine the role of this variant in disease. Therefore, it has been classified as a Variant of Uncertain Significance. This variant has not been reported in the literature in individuals affected with TBCK-related conditions. This variant is not present in population databases (gnomAD no frequency). This sequence change replaces proline, which is neutral and non-polar, with leucine, which is neutral and non-polar, at codon 282 of the TBCK protein (p.Pro282Leu).